The following is an entry in ClinVar:

NM_001605.3(AARS1):c.2178_2179delinsTT (p.His727Tyr)

Gene: AARS1 (alanyl-tRNA synthetase 1; minus strand). Cytogenetic location: 16q22.1.
Variant type: Indel.
Coding change: c.2178_2179delinsTT on transcript NM_001605.3 (MANE Select); coding-DNA positions 2178 to 2179, GC replaced by TT.
Protein change: p.His727Tyr; replaces histidine 727 with tyrosine.
Molecular consequence: missense variant.
Genome position (GRCh38, 1-based): chr16:70,255,835-70,255,836, GC replaced by AA on the plus strand (GC replaced by TT on the coding strand, the reverse complement: AARS1 is on the minus strand). VCF-style: chr16-70255835-GC-AA. GRCh37 (hg19) VCF-style: chr16-70289738-GC-AA.
Other names: short protein forms H727Y.
Identifiers: ClinVar variation 1682154 (VCV001682154.6), dbSNP rs2152151946, ClinGen allele CA2573152634.

ClinVar aggregate classification (germline): Uncertain significance (1 of 4 stars; one submission).

Conditions:
Charcot-Marie-Tooth disease type 2. Also called: Charcot-Marie-Tooth type 2. Identifiers: Orphanet 64746, MedGen C0270914, MONDO:0018993.

Submission:

Labcorp Genetics (formerly Invitae), Labcorp
Classification: Uncertain significance for Charcot-Marie-Tooth disease type 2. Last evaluated: 2022-06-27. Review status: criteria provided, single submitter. Criteria: Invitae Variant Classification Sherloc (09022015). Collection method: clinical testing. Allele origin: germline.
Comment: In summary, the available evidence is currently insufficient to determine the role of this variant in disease. Therefore, it has been classified as a Variant of Uncertain Significance. Algorithms developed to predict the effect of sequence changes on RNA splicing suggest that this variant may create or strengthen a splice site. Experimental studies and prediction algorithms are not available or were not evaluated, and the functional significance of this variant is currently unknown. This variant has not been reported in the literature in individuals affected with AARS-related conditions. Information on the frequency of this variant in the gnomAD database is not available, as this variant may be reported differently in the database. This sequence change replaces histidine with tyrosine at codon 727 of the AARS protein (p.His727Tyr). There is a moderate physicochemical difference between histidine and tyrosine.